The following is an entry in ClinVar:

ClinVar aggregate classification (germline): Uncertain significance (1 of 4 stars; one submission).

Submission:

Labcorp Genetics (formerly Invitae), Labcorp
Classification: Uncertain significance. Last evaluated: 2025-10-11. Review status: criteria provided, single submitter. Criteria: Invitae Variant Classification Sherloc (09022015). Collection method: clinical testing. Allele origin: germline.
Comment: This variant, c.3269_3274dup, results in the insertion of 2 amino acid(s) of the AHDC1 protein (p.Ser1090_Ser1091dup), but otherwise preserves the integrity of the reading frame. This variant is present in population databases (rs530256606, gnomAD 0.003%). This variant has been observed in individual(s) with autism spectrum disorder (PMID: 35982159). Experimental studies and prediction algorithms are not available or were not evaluated, and the functional significance of this variant is currently unknown. In summary, the available evidence is currently insufficient to determine the role of this variant in disease. Therefore, it has been classified as a Variant of Uncertain Significance.

Literature cited by the submitters: PubMed 35982159.

NM_001371928.1(AHDC1):c.3254CCT[9] (p.Ser1091_Phe1092insSerSer)

Gene: AHDC1 (AT-hook DNA binding motif containing 1; minus strand). Cytogenetic location: 1p36.11.
Variant type: Microsatellite.
Coding change: c.3254CCT[9] on transcript NM_001371928.1 (MANE Select); nine copies in a row of the 3-base unit CCT starting at c.3254; the reference has seven copies in a row; two copies, 6 bases duplicated.
Protein change: p.Ser1091_Phe1092insSerSer.
Molecular consequence: inframe insertion.
Genome position (GRCh38, 1-based): chr1:27,548,842-27,548,847, AGGAGG duplicated on the plus strand (CCTCCT on the coding strand, the reverse complement: AHDC1 is on the minus strand); duplicating any 6 consecutive bases within chr1:27,548,842-27,548,862 gives the same sequence; the position shown is the placement nearest the transcript's 3' end. VCF-style (leftmost placement, unchanged base first): chr1-27548841-A-AAGGAGG. GRCh37 (hg19) VCF-style: chr1-27875352-A-AAGGAGG.
Other names: c.3254CCT[9], p.Ser1091_Phe1092insSerSer (NM_001029882.3).
Identifiers: ClinVar variation 2182278 (VCV002182278.4), dbSNP rs530256606, ClinGen allele CA715587.